The following is an entry in ClinVar:

NM_001267550.2(TTN):c.33482A>G (p.His11161Arg)

Gene: TTN (titin; minus strand). Cytogenetic location: 2q31.2.
Variant type: single nucleotide variant.
Coding change: c.33482A>G on transcript NM_001267550.2 (MANE Select); coding-DNA position 33482, A replaced by G.
Protein change: p.His11161Arg; replaces histidine 11161 with arginine.
Molecular consequence: missense variant. On other transcripts: intron variant (3).
Genome position (GRCh38, 1-based): chr2:178,679,992, T>C on the plus strand (A>G on the coding strand, the complement: TTN is on the minus strand). VCF-style: chr2-178679992-T-C. GRCh37 (hg19) VCF-style: chr2-179544719-T-C.
Other names: c.32531A>G, p.His10844Arg (NM_001256850.1); c.29750A>G, p.His9917Arg (NM_133378.4); c.13283-37675A>G (NM_003319.4); c.13859-37675A>G (NM_133437.4); c.13658-37675A>G (NM_133432.3); short protein forms H10844R, H11161R, H9917R.
Identifiers: ClinVar variation 3895470 (VCV003895470.3).

ClinVar aggregate classification (germline): Conflicting classifications of pathogenicity. Review status: criteria provided, conflicting classifications (1 of 4 stars). 3 submissions from 3 submitters: Uncertain significance (1); Likely benign (2). Last evaluated 2025-04-09.

gnomAD v4.1: 11 of 1,613,258 alleles (0.00068%); highest among the groups gnomAD compares: South Asian, 0.0022%; no homozygotes.

Submissions (3):

Molecular Diagnostic Laboratory for Inherited Cardiovascular Disease, Montreal Heart Institute
Classification: Likely benign. Last evaluated: 2025-04-09. Review status: criteria provided, single submitter. Criteria: ACMG Guidelines, 2015. Collection method: clinical testing. Allele origin: germline. Affected: no.

GeneDx
Classification: Uncertain significance. Last evaluated: 2025-02-11. Review status: criteria provided, single submitter. Criteria: GeneDx Variant Classification Process June 2021. Collection method: clinical testing. Allele origin: germline. Affected: yes.
Comment: Not observed at significant frequency in large population cohorts (gnomAD); Missense variant in a gene in which most reported pathogenic variants are truncating/loss of function; Has not been previously published as pathogenic or benign to our knowledge

Blueprint Genetics
Classification: Likely benign. Last evaluated: 2021-12-01. Review status: criteria provided, single submitter. Criteria: ACMG Guidelines, 2015. Collection method: clinical testing. Allele origin: germline.